The following is an entry in ClinVar:

ClinVar aggregate classification (germline): Uncertain significance (1 of 4 stars; one submission).

Submission:

Labcorp Genetics (formerly Invitae), Labcorp
Classification: Uncertain significance. Last evaluated: 2021-10-20. Review status: criteria provided, single submitter. Criteria: Invitae Variant Classification Sherloc (09022015). Collection method: clinical testing. Allele origin: germline.
Comment: This variant occurs in the RNU4ATAC gene, which encodes an RNA molecule that does not result in a protein product. The boundaries of this event are unknown as they extend beyond the assayed region for this gene and therefore may encompass additional genes. As the precise location of this event is unknown, it may be in tandem or it may be located elsewhere in the genome. This variant has not been reported in the literature in individuals affected with RNU4ATAC-related conditions. Experimental studies and prediction algorithms are not available or were not evaluated, and the functional significance of this variant is currently unknown. In summary, the available evidence is currently insufficient to determine the role of this variant in disease. Therefore, it has been classified as a Variant of Uncertain Significance.

NC_000002.11:g.(?_122288436)_(122288605_?)dup

Genes: CLASP1 (cytoplasmic linker associated protein 1; minus strand), RNU4ATAC (RNA, U4atac small nuclear; plus strand). Cytogenetic location: 2q14.2.
Variant type: Duplication.
Identifiers: ClinVar variation 1413088 (VCV001413088.1).